The following is an entry in ClinVar:

ClinVar aggregate classification (germline): Pathogenic (1 of 4 stars; one submission).

Conditions:
Hereditary spastic paraplegia 47. Also called: CEREBRAL PALSY, SPASTIC QUADRIPLEGIC, 5; Spastic paraplegia 47, autosomal recessive; adaptor protein 4 (AP-4) deficiency syndrome. Identifiers: Orphanet 280763, MedGen C3279738, MONDO:0013551, OMIM 614066.

Submission:

3billion
Classification: Pathogenic for Hereditary spastic paraplegia 47. Last evaluated: 2024-07-04. Review status: criteria provided, single submitter. Criteria: ACMG Guidelines, 2015. Collection method: clinical testing. Allele origin: germline. Affected: yes.
Comment: The variant is not observed in the gnomAD v4.0.0 dataset. Predicted Consequence/Location: Stop-gained (nonsense): predicted to result in a loss or disruption of normal protein function through nonsense-mediated decay (NMD) or protein truncation. Multiple pathogenic variants are reported downstream of the variant. Therefore, this variant is classified as Pathogenic according to the recommendation of ACMG/AMP guideline.

NM_001253852.3(AP4B1):c.1162G>T (p.Glu388Ter)

Genes: AP4B1 (adaptor related protein complex 4 subunit beta 1; minus strand), AP4B1-AS1 (AP4B1 antisense RNA 1; plus strand). Cytogenetic location: 1p13.2.
Variant type: single nucleotide variant.
Coding change: c.1162G>T on transcript NM_001253852.3 (MANE Select); coding-DNA position 1162, G replaced by T.
Protein change: p.Glu388Ter; replaces glutamic acid 388 with a stop codon.
Molecular consequence: nonsense.
Genome position (GRCh38, 1-based): chr1:113,898,754, C>A on the plus strand (G>T on the coding strand, the complement: AP4B1 is on the minus strand). VCF-style: chr1-113898754-C-A. GRCh37 (hg19) VCF-style: chr1-114441376-C-A.
Other names: c.865G>T, p.Glu289Ter (NM_001253853.3); c.658G>T, p.Glu220Ter (NM_001308312.2, NM_001438376.1, NM_001438379.1); c.937G>T, p.Glu313Ter (NM_001437822.1, NM_001438377.1); c.1162G>T, p.Glu388Ter (NM_001438373.1, NM_001438375.1, NM_006594.5); c.883G>T, p.Glu295Ter (NM_001438374.1, NM_001438378.1); short protein forms E220*, E289*, E295*, E313*, E388*.
Identifiers: ClinVar variation 4292540 (VCV004292540.1).
Genomic context (GRCh38, chr1:113,898,754, plus strand): 5'-AAATCCTAAAAAGGCAGGCATTACCTGTGGTAATGTGCTCTTGTCGAAGACCCAGCAACT[C>A]TGTTAAAATCTGAACACATTGATCTGTGTAAGTCCTGGCAATGCCACCTACAAAAGAAGG-3'